The following is an entry in ClinVar:

NM_007294.4(BRCA1):c.2750T>C (p.Ile917Thr)

Gene: BRCA1 (BRCA1 DNA repair associated; minus strand). Cytogenetic location: 17q21.31.
Variant type: single nucleotide variant.
Coding change: c.2750T>C on transcript NM_007294.4 (MANE Select); coding-DNA position 2750, T replaced by C.
Protein change: p.Ile917Thr; replaces isoleucine 917 with threonine.
Molecular consequence: missense variant. On other transcripts: intron variant (137).
Genome position (GRCh38, 1-based): chr17:43,092,781, A>G on the plus strand (T>C on the coding strand, the complement: BRCA1 is on the minus strand). VCF-style: chr17-43092781-A-G. GRCh37 (hg19) VCF-style: chr17-41244798-A-G.
Other names: c.284-1749T>C (NM_001408512.1); c.407-1749T>C (NM_001408510.1); c.644-1749T>C (NM_001408470.1, NM_001408464.1, NM_001408468.1 and 3 more transcripts); c.647-1749T>C (NM_001408469.1, NM_001408453.1, NM_001408461.1 and 11 more transcripts); c.785-1749T>C (NM_001408397.1, NM_001408401.1, NM_001408396.1 and 13 more transcripts); c.665-1749T>C (NM_001408436.1, NM_001408444.1, NM_001408438.1 and 12 more transcripts); c.788-1749T>C (NM_001407980.1, NM_001407993.1, NM_001407976.1 and 17 more transcripts); c.653-1749T>C (NM_001408451.1); and 41 more; short protein forms I917T, I870T, I621T, I789T, I805T, I806T, I790T, I829T.
Identifiers: ClinVar variation 141097 (VCV000141097.24), dbSNP rs587781492, ClinGen allele CA001812.

ClinVar aggregate classification (germline): Conflicting classifications of pathogenicity. Review status: criteria provided, conflicting classifications (1 of 4 stars). 7 submissions from 7 submitters: Uncertain significance (5); Benign (1); Likely benign (1). Last evaluated 2025-12-22.

Conditions:
Hereditary cancer-predisposing syndrome. Also called: Neoplastic Syndromes, Hereditary; Hereditary neoplastic syndrome; Tumor predisposition; Hereditary Cancer Syndrome. Identifiers: Orphanet 140162, MedGen C0027672, MeSH D009386, MONDO:0015356.
Hereditary breast ovarian cancer syndrome. Also called: Hereditary breast and/or ovarian cancer syndrome; Hereditary breast and ovarian cancer syndrome; BRCA1- and BRCA2-Associated Hereditary Breast and Ovarian Cancer; Hereditary breast and ovarian cancer; Hereditary breast and ovarian cancer syndrome (HBOC); Breast and ovarian cancer. Identifiers: Orphanet 145, MedGen C0677776, MeSH D061325, MONDO:0003582. Disease mechanism: loss of function.

Allele frequency attached by ClinVar (database versions not stated): gnomAD 0.00001; gnomAD exomes below 0.00001.
gnomAD v4.1: 2 of 1,613,934 alleles (0.00012%); highest among the groups gnomAD compares: East Asian, 0.0045%; no homozygotes.

Submissions (7):

Ambry Genetics
Classification: Uncertain significance for Hereditary cancer-predisposing syndrome. Last evaluated: 2025-12-22. Review status: criteria provided, single submitter. Criteria: Ambry Variant Classification Scheme 2023. Collection method: clinical testing. Allele origin: germline.
Comment: The p.I917T variant (also known as c.2750T>C), located in coding exon 9 of the BRCA1 gene, results from a T to C substitution at nucleotide position 2750. The isoleucine at codon 917 is replaced by threonine, an amino acid with similar properties. This alteration was identified in 1 of 1009 patients amongst a cohort of Chinese patients with a personal history of pancreatic ductal adenocarcinoma (Yin L et al. JAMA Netw Open, 2022 Feb;5:e2148721). This amino acid position is not well conserved in available vertebrate species. In addition, the in silico prediction for this alteration is inconclusive. Since supporting evidence is limited at this time, the clinical significance of this alteration remains unclear.

Labcorp Genetics (formerly Invitae), Labcorp
Classification: Benign for Hereditary breast ovarian cancer syndrome. Last evaluated: 2025-10-15. Review status: criteria provided, single submitter. Criteria: Invitae Variant Classification Sherloc (09022015). Collection method: clinical testing. Allele origin: germline.

GeneDx
Classification: Uncertain significance. Last evaluated: 2023-08-08. Review status: criteria provided, single submitter. Criteria: GeneDx Variant Classification Process June 2021. Collection method: clinical testing. Allele origin: germline. Affected: yes.
Comment: Not observed at significant frequency in large population cohorts (gnomAD); In silico analysis supports that this missense variant has a deleterious effect on protein structure/function; Has not been previously published as pathogenic or benign to our knowledge; Also known as 2869T>C; This variant is associated with the following publications: (PMID: 15343273)

University of Washington Department of Laboratory Medicine, University of Washington
Classification: Likely benign for Hereditary cancer-predisposing syndrome. Last evaluated: 2023-03-23. Review status: criteria provided, single submitter. Criteria: Dines et al. (Genet Med. 2020). Collection method: curation. Allele origin: germline.
Comment: Missense variant in a coldspot region where missense variants are very unlikely to be pathogenic (PMID:31911673).

BRCA1 coldspot (exon 11 using historical exon numbering). Reclassification based on statistical prior probability

Color Diagnostics, LLC DBA Color Health
Classification: Uncertain significance for Hereditary cancer-predisposing syndrome. Last evaluated: 2021-04-07. Review status: criteria provided, single submitter. Criteria: ACMG Guidelines, 2015. Collection method: clinical testing. Allele origin: germline.
Comment: This missense variant replaces isoleucine with threonine at codon 917 of the BRCA1 protein. Computational prediction is inconclusive regarding the impact of this variant on protein structure and function (internally defined REVEL score threshold 0.5 < inconclusive < 0.7, PMID: 27666373). To our knowledge, functional studies have not been reported for this variant. This variant has been reported in a breast cancer case-control study in one individual each in the affected and unaffected groups (PMID: 33471991; Leiden Open Variation Database DB-ID BRCA1_006389). This variant has been identified in 2/282236 chromosomes in the general population by the Genome Aggregation Database (gnomAD). The available evidence is insufficient to determine the role of this variant in disease conclusively. Therefore, this variant is classified as a Variant of Uncertain Significance.

Women's Health and Genetics/Laboratory Corporation of America, LabCorp
Classification: Uncertain significance. Last evaluated: 2020-03-23. Review status: criteria provided, single submitter. Criteria: LabCorp Variant Classification Summary - May 2015. Collection method: clinical testing. Allele origin: germline.
Comment: Variant summary: BRCA1 c.2750T>C (p.Ile917Thr) results in a non-conservative amino acid change in the encoded protein sequence. Four of five in-silico tools predict a benign effect of the variant on protein function. The variant allele was found at a frequency of 4e-06 in 250846 control chromosomes. The available data on variant occurrences in the general population are insufficient to allow any conclusion about variant significance. To our knowledge, no occurrence of c.2750T>C in individuals affected with Hereditary Breast and Ovarian Cancer and no experimental evidence demonstrating its impact on protein function have been reported. Three clinical diagnostic laboratories have submitted clinical-significance assessments for this variant to ClinVar after 2014 without evidence for independent evaluation. All laboratories classified the variant as uncertain significance. Based on the evidence outlined above, the variant was classified as uncertain significance.

Quest Diagnostics Nichols Institute San Juan Capistrano
Classification: Uncertain significance. Last evaluated: 2017-12-15. Review status: criteria provided, single submitter. Criteria: Quest Diagnostics criteria. Collection method: clinical testing. Allele origin: germline.

Literature cited by the submitters: PubMed 35171259 (cited by Ambry Genetics).